The following is an entry in ClinVar:

NM_000181.4(GUSB):c.185A>G (p.Gln62Arg)

Gene: GUSB (glucuronidase beta; minus strand). Cytogenetic location: 7q11.21.
Variant type: single nucleotide variant.
Coding change: c.185A>G on transcript NM_000181.4 (MANE Select); coding-DNA position 185, A replaced by G.
Protein change: p.Gln62Arg; replaces glutamine 62 with arginine.
Molecular consequence: missense variant. On other transcripts: 5 prime UTR variant (2), non-coding transcript variant (1).
Genome position (GRCh38, 1-based): chr7:65,981,999, T>C on the plus strand (A>G on the coding strand, the complement: GUSB is on the minus strand). VCF-style: chr7-65981999-T-C. GRCh37 (hg19) VCF-style: chr7-65446986-T-C.
Other names: c.185A>G, p.Gln62Arg (NM_001284290.2); c.-201A>G (NM_001293104.2); c.-145A>G (NM_001293105.2); short protein forms Q62R.
Identifiers: ClinVar variation 1043245 (VCV001043245.6), dbSNP rs571736757, ClinGen allele CA4276734.

ClinVar aggregate classification (germline): Uncertain significance (1 of 4 stars; one submission).

Conditions:
Mucopolysaccharidosis type 7 (MPS7). Also called: BETA-GLUCURONIDASE DEFICIENCY; SLY SYNDROME; GUSB DEFICIENCY; MPS VII. Identifiers: Orphanet 584, MedGen C0085132, MONDO:0009662, OMIM 253220.

Allele frequency attached by ClinVar (database versions not stated): gnomAD below 0.00001 and 0.00004; gnomAD exomes 0.00003; TOPMed 0.00004; ExAC 0.00006; 1000 Genomes Project 30x 0.00016; 1000 Genomes Project 0.00040.

Submission:

Labcorp Genetics (formerly Invitae), Labcorp
Classification: Uncertain significance for Mucopolysaccharidosis type 7. Last evaluated: 2022-01-07. Review status: criteria provided, single submitter. Criteria: Invitae Variant Classification Sherloc (09022015). Collection method: clinical testing. Allele origin: germline.
Comment: This sequence change replaces glutamine, which is neutral and polar, with arginine, which is basic and polar, at codon 62 of the GUSB protein (p.Gln62Arg). This variant is present in population databases (rs571736757, gnomAD 0.01%). This variant has not been reported in the literature in individuals affected with GUSB-related conditions. ClinVar contains an entry for this variant (Variation ID: 1043245). Algorithms developed to predict the effect of missense changes on protein structure and function output the following: SIFT: "Tolerated"; PolyPhen-2: "Benign"; Align-GVGD: "Class C0". The arginine amino acid residue is found in multiple mammalian species, which suggests that this missense change does not adversely affect protein function. In summary, the available evidence is currently insufficient to determine the role of this variant in disease. Therefore, it has been classified as a Variant of Uncertain Significance.